The following is an entry in ClinVar:

ClinVar aggregate classification (germline): Benign. Review status: criteria provided, single submitter (1 of 4 stars). 2 submissions from 2 submitters: Benign (1). 1 of the submissions does not count toward it. Last evaluated 2019-12-31.

Conditions:
SRGAP3-related disorder. Also called: SRGAP3-related condition.

Allele frequency attached by ClinVar (database versions not stated): gnomAD 0.00059 and 0.00094; gnomAD exomes 0.00071 and 0.00233; TOPMed 0.00106; ExAC 0.00231; 1000 Genomes Project 30x 0.00422; 1000 Genomes Project 0.00459.
gnomAD v4.1: 1,190 of 1,614,098 alleles (0.074%); highest among the groups gnomAD compares: East Asian, 2.5%; 14 homozygotes.

Submissions (2):

Labcorp Genetics (formerly Invitae), Labcorp
Classification: Benign. Last evaluated: 2019-12-31. Review status: criteria provided, single submitter. Criteria: Invitae Variant Classification Sherloc (09022015). Collection method: clinical testing. Allele origin: germline.

PreventionGenetics, part of Exact Sciences
Classification: Benign for SRGAP3-related condition. Last evaluated: 2019-02-26. Review status: no assertion criteria provided. Collection method: clinical testing. Allele origin: germline. Not counted in ClinVar's aggregate classification.
Comment: This variant is classified as benign based on ACMG/AMP sequence variant interpretation guidelines (Richards et al. 2015 PMID: 25741868, with internal and published modifications).

NM_014850.4(SRGAP3):c.1882A>G (p.Ile628Val)

Gene: SRGAP3 (SLIT-ROBO Rho GTPase activating protein 3; minus strand). Cytogenetic location: 3p25.3.
Variant type: single nucleotide variant.
Coding change: c.1882A>G on transcript NM_014850.4 (MANE Select); coding-DNA position 1882, A replaced by G.
Protein change: p.Ile628Val; replaces isoleucine 628 with valine.
Molecular consequence: missense variant.
Genome position (GRCh38, 1-based): chr3:9,013,774, T>C on the plus strand (A>G on the coding strand, the complement: SRGAP3 is on the minus strand). VCF-style: chr3-9013774-T-C. GRCh37 (hg19) VCF-style: chr3-9055458-T-C.
Other names: c.1810A>G, p.Ile604Val (NM_001033117.3); short protein forms I604V, I628V.
Identifiers: ClinVar variation 725709 (VCV000725709.6), dbSNP rs2271207, ClinGen allele CA2237652.